The following is an entry in ClinVar:

NM_000038.6(APC):c.135+2275G>T

Gene: APC (APC regulator of WNT signaling pathway; plus strand). Cytogenetic location: 5q22.2.
Variant type: single nucleotide variant.
Coding change: c.135+2275G>T on transcript NM_000038.6 (MANE Select); 2275 bases into the intron after coding-DNA position 135, G replaced by T.
Molecular consequence: intron variant.
Genome position (GRCh38, 1-based): chr5:112,757,300, G>T. VCF-style: chr5-112757300-G-T. GRCh37 (hg19) VCF-style: chr5-112092997-G-T.
Other names: c.135+2275G>T (NM_001354895.2, NM_001127510.3, NM_001354896.2 and 2 more transcripts); c.166-9026G>T (NM_001354897.2, NM_001354902.2, NM_001127511.3); c.61-9026G>T (NM_001354898.2, NM_001354904.2); c.-901+2275G>T (NM_001354906.2); c.-42-9026G>T (NM_001354900.2, NM_001354901.2, NM_001354905.2).
Identifiers: ClinVar variation 82366 (VCV000082366.2), dbSNP rs79425114, ClinGen allele CA004271.

ClinVar aggregate classification (germline): other (0 of 4 stars; one submission).

Conditions:
Familial colorectal cancer. Identifiers: MedGen CN280943, MONDO:0023113. Disease mechanism: loss of function.

Submission:

Systems Biology Platform Zhejiang California International NanoSystems Institute
Classification: other for Familial colorectal cancer. Review status: no assertion criteria provided. Collection method: not provided. Allele origin: unknown.
ClinVar note: Converted during submission from cancer to other.